The following is an entry in ClinVar:

NM_003737.4(DCHS1):c.6214A>G (p.Ser2072Gly)

Gene: DCHS1 (dachsous cadherin-related 1; minus strand). Cytogenetic location: 11p15.4.
Variant type: single nucleotide variant.
Coding change: c.6214A>G on transcript NM_003737.4 (MANE Select); coding-DNA position 6214, A replaced by G.
Protein change: p.Ser2072Gly; replaces serine 2072 with glycine.
Molecular consequence: missense variant.
Genome position (GRCh38, 1-based): chr11:6,626,825, T>C on the plus strand (A>G on the coding strand, the complement: DCHS1 is on the minus strand). VCF-style: chr11-6626825-T-C. GRCh37 (hg19) VCF-style: chr11-6648056-T-C.
Other names: short protein forms S2072G.
Identifiers: ClinVar variation 3271062 (VCV003271062.2).

ClinVar aggregate classification (germline): Uncertain significance. Review status: criteria provided, multiple submitters, no conflicts (2 of 4 stars). 2 submissions from 2 submitters: Uncertain significance (2). Last evaluated 2025-06-11.

Conditions:
Inborn genetic diseases. Identifiers: MedGen C0950123, MeSH D030342.

gnomAD v4.1: 8 of 1,613,036 alleles (0.0005%); highest among the groups gnomAD compares: South Asian, 0.0055%; no homozygotes.

Submissions (2):

Labcorp Genetics (formerly Invitae), Labcorp
Classification: Uncertain significance. Last evaluated: 2025-06-11. Review status: criteria provided, single submitter. Criteria: Invitae Variant Classification Sherloc (09022015). Collection method: clinical testing. Allele origin: germline.
Comment: This sequence change replaces serine, which is neutral and polar, with glycine, which is neutral and non-polar, at codon 2072 of the DCHS1 protein (p.Ser2072Gly). This variant is present in population databases (rs761711744, gnomAD 0.01%). This variant has not been reported in the literature in individuals affected with DCHS1-related conditions. ClinVar contains an entry for this variant (Variation ID: 3271062). Invitae Evidence Modeling of protein sequence and biophysical properties (such as structural, functional, and spatial information, amino acid conservation, physicochemical variation, residue mobility, and thermodynamic stability) indicates that this missense variant is not expected to disrupt DCHS1 protein function with a negative predictive value of 80%. In summary, the available evidence is currently insufficient to determine the role of this variant in disease. Therefore, it has been classified as a Variant of Uncertain Significance.

Ambry Genetics
Classification: Uncertain significance for Inborn genetic diseases. Last evaluated: 2024-05-29. Review status: criteria provided, single submitter. Criteria: Ambry Variant Classification Scheme 2023. Collection method: clinical testing. Allele origin: germline.